The following is an entry in ClinVar:

ClinVar aggregate classification (germline): Uncertain significance (1 of 4 stars; one submission).

Allele frequency attached by ClinVar (database versions not stated): gnomAD exomes below 0.00001; gnomAD 0.00003.
gnomAD v4.1: 10 of 1,609,744 alleles (0.00062%); highest among the groups gnomAD compares: Non-Finnish European, 0.00076%; no homozygotes.

Submission:

Laboratory for Molecular Medicine, Mass General Brigham Personalized Medicine
Classification: Uncertain significance. Last evaluated: 2016-11-13. Review status: criteria provided, single submitter. Criteria: LMM Criteria. Collection method: clinical testing. Allele origin: germline. Observed: 1 variant allele.
Comment: The p.Gly12Asp variant in COCH has not been previously reported in individuals w ith hearing loss and was absent from large population studies. This variant is l ocated in the first base of the exon, which is part of the 3? splice region. Com putational tools and conservation data suggest a possible impact to the protein either through abnormal splicing or due to to the missense change. However, this information is not predictive enough to determine pathogenicity. In summary, th e clinical significance of the p.Gly12Asp variant is uncertain.

NM_004086.3(COCH):c.35G>A (p.Gly12Asp)

Gene: COCH (cochlin; plus strand). Cytogenetic location: 14q12.
Variant type: single nucleotide variant.
Coding change: c.35G>A on transcript NM_004086.3 (MANE Select); coding-DNA position 35, G replaced by A.
Protein change: p.Gly12Asp; replaces glycine 12 with aspartic acid.
Molecular consequence: missense variant.
Genome position (GRCh38, 1-based): chr14:30,875,056, G>A. VCF-style: chr14-30875056-G-A. GRCh37 (hg19) VCF-style: chr14-31344262-G-A.
Other names: c.35G>A, p.Gly12Asp (NM_001135058.2, NM_001347720.2); short protein forms G12D.
Identifiers: ClinVar variation 505276 (VCV000505276.4), dbSNP rs1213767677, ClinGen allele CA389343468.